The following is an entry in ClinVar:

NM_000038.6(APC):c.5972A>G (p.Glu1991Gly)

Gene: APC (APC regulator of Wnt signaling pathway; plus strand). Cytogenetic location: 5q22.2.
Variant type: single nucleotide variant.
Coding change: c.5972A>G on transcript NM_000038.6 (MANE Select); coding-DNA position 5972, A replaced by G.
Protein change: p.Glu1991Gly; replaces glutamic acid 1991 with glycine.
Molecular consequence: missense variant.
Genome position (GRCh38, 1-based): chr5:112,841,566, A>G. VCF-style: chr5-112841566-A-G. GRCh37 (hg19) VCF-style: chr5-112177263-A-G.
Other names: c.5972A>G, p.Glu1991Gly (NM_001127510.3, NM_001354895.2); c.5918A>G, p.Glu1973Gly (NM_001127511.3); c.6026A>G, p.Glu2009Gly (NM_001354896.2); c.6002A>G, p.Glu2001Gly (NM_001354897.2); c.5897A>G, p.Glu1966Gly (NM_001354898.2); c.5888A>G, p.Glu1963Gly (NM_001354899.2); c.5849A>G, p.Glu1950Gly (NM_001354900.2); c.5795A>G, p.Glu1932Gly (NM_001354901.2); and 5 more; short protein forms E1708G, E1831G, E1865G, E1890G, E1900G, E1932G, E1950G, E1963G.
Identifiers: ClinVar variation 1332465 (VCV001332465.10), dbSNP rs1766102152, ClinGen allele CA16034406.

ClinVar aggregate classification (germline): Uncertain significance. Review status: criteria provided, multiple submitters, no conflicts (2 of 4 stars). 3 submissions from 3 submitters: Uncertain significance (3). Last evaluated 2023-06-14.

Conditions:
Familial adenomatous polyposis 1 (FAP1). Also called: POLYPOSIS, ADENOMATOUS INTESTINAL; FAMILIAL ADENOMATOUS POLYPOSIS 1, ATTENUATED. Identifiers: MedGen C2713442, MONDO:0021056, OMIM 175100. Disease mechanism: loss of function.
Hereditary cancer-predisposing syndrome. Also called: Tumor predisposition; Hereditary Cancer Syndrome; Neoplastic Syndromes, Hereditary; Hereditary neoplastic syndrome. Identifiers: Orphanet 140162, MedGen C0027672, MeSH D009386, MONDO:0015356.

Allele frequency attached by ClinVar (database versions not stated): TOPMed below 0.00001.

Submissions (3):

Labcorp Genetics (formerly Invitae), Labcorp
Classification: Uncertain significance for Familial adenomatous polyposis 1. Last evaluated: 2023-06-14. Review status: criteria provided, single submitter. Criteria: Invitae Variant Classification Sherloc (09022015). Collection method: clinical testing. Allele origin: germline.
Comment: In summary, the available evidence is currently insufficient to determine the role of this variant in disease. Therefore, it has been classified as a Variant of Uncertain Significance. Advanced modeling of protein sequence and biophysical properties (such as structural, functional, and spatial information, amino acid conservation, physicochemical variation, residue mobility, and thermodynamic stability) performed at Invitae indicates that this missense variant is not expected to disrupt APC protein function. ClinVar contains an entry for this variant (Variation ID: 1332465). This variant has not been reported in the literature in individuals affected with APC-related conditions. This variant is not present in population databases (gnomAD no frequency). This sequence change replaces glutamic acid, which is acidic and polar, with glycine, which is neutral and non-polar, at codon 1991 of the APC protein (p.Glu1991Gly).

Ambry Genetics
Classification: Uncertain significance for Hereditary cancer-predisposing syndrome. Last evaluated: 2021-07-21. Review status: criteria provided, single submitter. Criteria: Ambry Variant Classification Scheme 2023. Collection method: clinical testing. Allele origin: germline.
Comment: The p.E1991G variant (also known as c.5972A>G), located in coding exon 15 of the APC gene, results from an A to G substitution at nucleotide position 5972. The glutamic acid at codon 1991 is replaced by glycine, an amino acid with similar properties. This amino acid position is not well conserved in available vertebrate species. In addition, in silico predictors for this gene do not accurately predict pathogenicity. Since supporting evidence is limited at this time, the clinical significance of this alteration remains unclear.

Color Diagnostics, LLC DBA Color Health
Classification: Uncertain significance for Hereditary cancer-predisposing syndrome. Last evaluated: 2021-04-02. Review status: criteria provided, single submitter. Criteria: ACMG Guidelines, 2015. Collection method: clinical testing. Allele origin: germline.
Comment: This missense variant replaces glutamic acid with glycine at codon 1991 of the APC protein. Computational prediction suggests that this variant may not impact protein structure and function (internally defined REVEL score threshold <= 0.5, PMID: 27666373). To our knowledge, functional studies have not been reported for this variant. This variant has not been reported in individuals affected with hereditary cancer in the literature. This variant has not been identified in the general population by the Genome Aggregation Database (gnomAD). The available evidence is insufficient to determine the role of this variant in disease conclusively. Therefore, this variant is classified as a Variant of Uncertain Significance.